The following is an entry in ClinVar:

ClinVar aggregate classification (germline): Uncertain significance (1 of 4 stars; one submission).

Submission:

GeneDx
Classification: Uncertain significance. Last evaluated: 2025-02-02. Review status: criteria provided, single submitter. Criteria: GeneDx Variant Classification Process June 2021. Collection method: clinical testing. Allele origin: germline. Affected: yes.
Comment: Not observed at significant frequency in large population cohorts (gnomAD); In silico analysis supports that this missense variant has a deleterious effect on protein structure/function; Has not been previously published as pathogenic or benign to our knowledge.

NM_001378328.1(CELSR1):c.4040T>C (p.Leu1347Pro)

Genes: CELSR1 (cadherin EGF LAG seven-pass G-type receptor 1; minus strand), LOC126863170 (CDK7 strongly-dependent group 2 enhancer GRCh37_chr22:46858535-46859734; plus strand). Cytogenetic location: 22q13.31.
Variant type: single nucleotide variant.
Coding change: c.4040T>C on transcript NM_001378328.1 (MANE Select); coding-DNA position 4040, T replaced by C.
Protein change: p.Leu1347Pro; replaces leucine 1347 with proline.
Molecular consequence: missense variant.
Genome position (GRCh38, 1-based): chr22:46,463,850, A>G on the plus strand (T>C on the coding strand, the complement: CELSR1 is on the minus strand). VCF-style: chr22-46463850-A-G. GRCh37 (hg19) VCF-style: chr22-46859747-A-G.
Other names: c.4040T>C, p.Leu1347Pro (NM_014246.4); short protein forms L1347P.
Identifiers: ClinVar variation 4072477 (VCV004072477.1).
Genomic context (GRCh38, chr22:46,463,850, plus strand): 5'-CAGAGGTCGATCTCCGTCTCGCAGTAGTCGCCGGTGAAGCCGGGCGGGCAGCGGCAGCGC[A>G]GGCCGTTGATGGGGTGGATGGGCCGGAAGAGCACGGTGGTGGAGCTGAGGAAGGGCGCGG-3'
Protein context (NP_001365257.1, residues 1337-1357): LFRPIHPING[Leu1347Pro]RCRCPPGFTG